The following is an entry in ClinVar:

NM_015192.4(PLCB1):c.3422A>C (p.Lys1141Thr)

Gene: PLCB1 (phospholipase C beta 1; plus strand). Cytogenetic location: 20p12.3.
Variant type: single nucleotide variant.
Coding change: c.3422A>C on transcript NM_015192.4 (MANE Select); coding-DNA position 3422, A replaced by C.
Protein change: p.Lys1141Thr; replaces lysine 1141 with threonine.
Molecular consequence: missense variant.
Genome position (GRCh38, 1-based): chr20:8,790,260, A>C. VCF-style: chr20-8790260-A-C. GRCh37 (hg19) VCF-style: chr20-8770907-A-C.
Other names: c.3422A>C, p.Lys1141Thr (NM_182734.3); short protein forms K1141T.
Identifiers: ClinVar variation 478788 (VCV000478788.9), dbSNP rs758111758, ClinGen allele CA9760552.

ClinVar aggregate classification (germline): Uncertain significance (1 of 4 stars; one submission).

Conditions:
Developmental and epileptic encephalopathy, 12 (DEE12). Identifiers: MedGen C3150988, MONDO:0013389, OMIM 613722.

Allele frequency attached by ClinVar (database versions not stated): ExAC 0.00001; gnomAD 0.00001; gnomAD exomes 0.00001.
gnomAD v4.1: 11 of 1,605,430 alleles (0.00069%); highest among the groups gnomAD compares: South Asian, 0.01%; 1 homozygote.

Submission:

Labcorp Genetics (formerly Invitae), Labcorp
Classification: Uncertain significance for Developmental and epileptic encephalopathy, 12. Last evaluated: 2017-03-31. Review status: criteria provided, single submitter. Criteria: Invitae Variant Classification Sherloc (09022015). Collection method: clinical testing. Allele origin: germline.
Comment: In summary, this variant is a rare missense change with uncertain impact on protein function. There is no indication that it causes disease, but the available evidence is currently insufficient to prove that conclusively. Therefore, it has been classified as a Variant of Uncertain Significance. Algorithms developed to predict the effect of sequence changes on RNA splicing suggest that this variant may alter RNA splicing, but this prediction has not been confirmed by published transcriptional studies. Algorithms developed to predict the effect of missense changes on protein structure and function do not agree on the potential impact of this missense change (SIFT: "Deleterious"; PolyPhen-2: "Benign"; Align-GVGD: "Class C0"). This variant is present in population databases (rs758111758, ExAC no frequency) but has not been reported in the literature in individuals with a PLCB1-related disease. This sequence change replaces lysine with threonine at codon 1141 of the PLCB1 protein (p.Lys1141Thr). The lysine residue is moderately conserved and there is a moderate physicochemical difference between lysine and threonine.